The following is an entry in ClinVar:

ClinVar aggregate classification (germline): Benign. Review status: criteria provided, multiple submitters, no conflicts (2 of 4 stars). 2 submissions from 2 submitters: Benign (2). Last evaluated 2018-01-13.

Conditions:
Rhizomelic chondrodysplasia punctata type 3 (RCDP3). Also called: ALKYLDIHYDROXYACETONEPHOSPHATE SYNTHASE DEFICIENCY; Alkylglycerone Phosphate Synthase (AGPS) deficiency. Identifiers: Orphanet 177, Orphanet 309803, MedGen C1838612, MONDO:0010823, OMIM 600121. Disease mechanism: loss of function.

Allele frequency attached by ClinVar (database versions not stated): gnomAD 0.83889 and 0.84207; 1000 Genomes Project 0.89437.

Submissions (2):

Illumina Laboratory Services, Illumina
Classification: Benign for Rhizomelic chondrodysplasia punctata type 3. Last evaluated: 2018-01-13. Review status: criteria provided, single submitter. Criteria: ICSL Variant Classification Criteria 13 December 2019. Collection method: clinical testing. Allele origin: germline.
Comment: This variant was observed as part of a predisposition screen in an ostensibly healthy population. A literature search was performed for the gene, cDNA change, and amino acid change (where applicable). No publications were found based on this search. Allele frequency data from public databases was too high to be consistent with this variant causing disease. Therefore, this variant is classified as benign.

Breakthrough Genomics
Classification: Benign. Review status: criteria provided, single submitter. Criteria: ACMG Guidelines, 2015. Collection method: not provided. Allele origin: germline. Inheritance: Autosomal recessive inheritance. Affected: yes.

NM_003659.4(AGPS):c.*1866A>G

Gene: AGPS (alkylglycerone phosphate synthase; plus strand). Cytogenetic location: 2q31.2.
Variant type: single nucleotide variant.
Coding change: c.*1866A>G on transcript NM_003659.4 (MANE Select); 1866 bases downstream of the stop codon, A replaced by G.
Molecular consequence: 3 prime UTR variant.
Genome position (GRCh38, 1-based): chr2:177,540,061, A>G. VCF-style: chr2-177540061-A-G. GRCh37 (hg19) VCF-style: chr2-178404789-A-G.
Identifiers: ClinVar variation 332559 (VCV000332559.6), dbSNP rs10930795, ClinGen allele CA10611485.